The following is an entry in ClinVar:

ClinVar aggregate classification (germline): Uncertain significance (1 of 4 stars; one submission).

Allele frequency attached by ClinVar (database versions not stated): ExAC 0.00002; gnomAD 0.00003; TOPMed 0.00003; 1000 Genomes Project 0.00040; 1000 Genomes Project 30x 0.00047.
gnomAD v4.1: 6 of 1,613,246 alleles (0.00037%); highest among the groups gnomAD compares: African/African-American, 0.0053%; no homozygotes.

Submission:

Labcorp Genetics (formerly Invitae), Labcorp
Classification: Uncertain significance. Last evaluated: 2022-02-14. Review status: criteria provided, single submitter. Criteria: Invitae Variant Classification Sherloc (09022015). Collection method: clinical testing. Allele origin: germline.
Comment: In summary, the available evidence is currently insufficient to determine the role of this variant in disease. Therefore, it has been classified as a Variant of Uncertain Significance. Algorithms developed to predict the effect of missense changes on protein structure and function are either unavailable or do not agree on the potential impact of this missense change (SIFT: "Tolerated"; PolyPhen-2: "Probably Damaging"; Align-GVGD: "Class C0"). This variant has not been reported in the literature in individuals affected with HMCN1-related conditions. This variant is present in population databases (rs540724756, gnomAD 0.01%). This sequence change replaces glycine, which is neutral and non-polar, with aspartic acid, which is acidic and polar, at codon 3030 of the HMCN1 protein (p.Gly3030Asp).

NM_031935.3(HMCN1):c.9089G>A (p.Gly3030Asp)

Gene: HMCN1 (hemicentin 1; plus strand). Cytogenetic location: 1q31.1.
Variant type: single nucleotide variant.
Coding change: c.9089G>A on transcript NM_031935.3 (MANE Select); coding-DNA position 9089, G replaced by A.
Protein change: p.Gly3030Asp; replaces glycine 3030 with aspartic acid.
Molecular consequence: missense variant.
Genome position (GRCh38, 1-based): chr1:186,087,259, G>A. VCF-style: chr1-186087259-G-A. GRCh37 (hg19) VCF-style: chr1-186056391-G-A.
Other names: short protein forms G3030D.
Identifiers: ClinVar variation 1962344 (VCV001962344.5), dbSNP rs540724756, ClinGen allele CA1293318.